The following is an entry in ClinVar:

NM_201384.3(PLEC):c.940A>G (p.Ile314Val)

Gene: PLEC (plectin; minus strand). Cytogenetic location: 8q24.3.
Variant type: single nucleotide variant.
Coding change: c.940A>G on transcript NM_201384.3 (MANE Select); coding-DNA position 940, A replaced by G.
Protein change: p.Ile314Val; replaces isoleucine 314 with valine.
Molecular consequence: missense variant.
Genome position (GRCh38, 1-based): chr8:143,934,815, T>C on the plus strand (A>G on the coding strand, the complement: PLEC is on the minus strand). VCF-style: chr8-143934815-T-C. GRCh37 (hg19) VCF-style: chr8-145008983-T-C.
Other names: c.1021A>G, p.Ile341Val (NM_000445.5, NM_001410941.1); c.898A>G, p.Ile300Val (NM_201378.4); c.874A>G, p.Ile292Val (NM_201379.3); c.1351A>G, p.Ile451Val (NM_201380.4); c.844A>G, p.Ile282Val (NM_201381.3); c.940A>G, p.Ile314Val (NM_201382.4); c.952A>G, p.Ile318Val (NM_201383.3); short protein forms I282V, I292V, I300V, I314V, I318V, I341V, I451V.
Identifiers: ClinVar variation 3757600 (VCV003757600.2).

ClinVar aggregate classification (germline): Uncertain significance (1 of 4 stars; one submission).

Conditions:
Epidermolysis bullosa simplex with nail dystrophy (EBS5D). Identifiers: MedGen C4225309, MONDO:0014661, OMIM 616487.
Epidermolysis bullosa simplex, Ogna type (EBS5A). Also called: Pidermolysis bullosa simplex 5A, Ogna type; EPIDERMOLYSIS BULLOSA SIMPLEX 5A, OGNA TYPE. Identifiers: Orphanet 79401, MedGen C0432317, MONDO:0007555, OMIM 131950.
Autosomal recessive limb-girdle muscular dystrophy type 2Q (LGMDR17). Also called: MUSCULAR DYSTROPHY, LIMB-GIRDLE, AUTOSOMAL RECESSIVE 17. Identifiers: Orphanet 254361, MedGen C3150989, MONDO:0013390, OMIM 613723.
Epidermolysis bullosa simplex 5B, with muscular dystrophy (EBS5B). Also called: EPIDERMOLYSIS BULLOSA SIMPLEX AND LIMB-GIRDLE MUSCULAR DYSTROPHY; Epidermolysis bullosa simplex with muscular dystrophy. Identifiers: Orphanet 257, MedGen C2931072, MONDO:0009181, OMIM 226670.
Epidermolysis bullosa simplex 5C, with pyloric atresia (EBS5C). Also called: PLEC-Related Epidermolysis Bullosa with Pyloric Atresia; Epidermolysis bullosa simplex with pyloric atresia; PLEC1-Related Epidermolysis Bullosa with Pyloric Atresia. Identifiers: Orphanet 158684, MedGen C2677349, MONDO:0012807, OMIM 612138.

Submission:

Labcorp Genetics (formerly Invitae), Labcorp
Classification: Uncertain significance for Autosomal recessive limb-girdle muscular dystrophy type 2Q; Epidermolysis bullosa simplex, Ogna type; Epidermolysis bullosa simplex with nail dystrophy; Epidermolysis bullosa simplex 5C, with pyloric atresia; Epidermolysis bullosa simplex 5B, with muscular dystrophy. Last evaluated: 2024-08-08. Review status: criteria provided, single submitter. Criteria: Invitae Variant Classification Sherloc (09022015). Collection method: clinical testing. Allele origin: germline.
Comment: This sequence change replaces isoleucine, which is neutral and non-polar, with valine, which is neutral and non-polar, at codon 341 of the PLEC protein (p.Ile341Val). This variant is not present in population databases (gnomAD no frequency). This variant has not been reported in the literature in individuals affected with PLEC-related conditions. Advanced modeling of protein sequence and biophysical properties (such as structural, functional, and spatial information, amino acid conservation, physicochemical variation, residue mobility, and thermodynamic stability) performed at Invitae indicates that this missense variant is not expected to disrupt PLEC protein function with a negative predictive value of 80%. In summary, the available evidence is currently insufficient to determine the role of this variant in disease. Therefore, it has been classified as a Variant of Uncertain Significance.